The following is an entry in ClinVar:

NM_000256.3(MYBPC3):c.3775C>T (p.Gln1259Ter)

Gene: MYBPC3 (myosin binding protein C3; minus strand). Cytogenetic location: 11p11.2.
Variant type: single nucleotide variant.
Coding change: c.3775C>T on transcript NM_000256.3 (MANE Select); coding-DNA position 3775, C replaced by T.
Protein change: p.Gln1259Ter; replaces glutamine 1259 with a stop codon.
Molecular consequence: nonsense.
Genome position (GRCh38, 1-based): chr11:47,332,111, G>A on the plus strand (C>T on the coding strand, the complement: MYBPC3 is on the minus strand). VCF-style: chr11-47332111-G-A. GRCh37 (hg19) VCF-style: chr11-47353662-G-A.
Other names: p.Q1259*:CAG>TAG; c.3775C>T, p.Gln1259Ter (LRG_386t1); short protein forms Q1259*.
Identifiers: ClinVar variation 181024 (VCV000181024.8), dbSNP rs730880605, ClinGen allele CA014855.

ClinVar aggregate classification (germline): Pathogenic/Likely pathogenic. Review status: criteria provided, multiple submitters, no conflicts (2 of 4 stars). 2 submissions from 2 submitters: Pathogenic (1); Likely pathogenic (1). Last evaluated 2025-01-06.

Conditions:
Hypertrophic cardiomyopathy. Also called: HYPERTROPHIC MYOCARDIOPATHY. Identifiers: Orphanet 217569, MedGen C0007194, MeSH D002312, MONDO:0005045, HP:0001639.

gnomAD v4.1: 1 of 1,613,476 alleles (0.000062%); highest among the groups gnomAD compares: South Asian, 0.0011%; no homozygotes.

Submissions (2):

GeneDx
Classification: Likely pathogenic. Last evaluated: 2025-01-06. Review status: criteria provided, single submitter. Criteria: GeneDx Variant Classification Process June 2021. Collection method: clinical testing. Allele origin: germline. Affected: yes.
Comment: Identified in patients with HCM referred for genetic testing at GeneDx and in published literature (PMID: 27600940, 24793961, 27483260, 31424582); Not observed at significant frequency in large population cohorts (gnomAD); Nonsense variant predicted to result in protein truncation, as the last 16 amino acids are lost, and other loss-of-function variants have been reported downstream in HGMD; This variant is associated with the following publications: (PMID: 27600940, 24793961, 27483260, 31424582, 26656175, 36291626, 39125703)

Labcorp Genetics (formerly Invitae), Labcorp
Classification: Pathogenic for Hypertrophic cardiomyopathy. Last evaluated: 2024-12-12. Review status: criteria provided, single submitter. Criteria: Invitae Variant Classification Sherloc (09022015). Collection method: clinical testing. Allele origin: germline.
Comment: This sequence change creates a premature translational stop signal (p.Gln1259*) in the MYBPC3 gene. It is expected to result in an absent or disrupted protein product. Loss-of-function variants in MYBPC3 are known to be pathogenic (PMID: 19574547). This variant is not present in population databases (gnomAD no frequency). This premature translational stop signal has been observed in individual(s) with hypertrophic cardiomyopathy (PMID: 24793961). ClinVar contains an entry for this variant (Variation ID: 181024). For these reasons, this variant has been classified as Pathogenic.

Literature cited by the submitters: PubMed 19574547 (cited by Labcorp Genetics (formerly Invitae), Labcorp); PubMed 24793961 (cited by Labcorp Genetics (formerly Invitae), Labcorp).